The following is an entry in ClinVar:

NM_000059.4(BRCA2):c.9156G>A (p.Arg3052=)

Gene: BRCA2 (BRCA2 DNA repair associated; plus strand). Cytogenetic location: 13q13.1.
Variant type: single nucleotide variant.
Coding change: c.9156G>A on transcript NM_000059.4 (MANE Select); coding-DNA position 9156, G replaced by A.
Protein change: p.Arg3052=; no amino-acid change (arginine 3052 retained).
Molecular consequence: synonymous variant. On other transcripts: non-coding transcript variant (1).
Genome position (GRCh38, 1-based): chr13:32,380,045, G>A. VCF-style: chr13-32380045-G-A. GRCh37 (hg19) VCF-style: chr13-32954182-G-A.
Other names: c.9060G>A, p.Arg3020= (NM_001406719.1); c.9105G>A, p.Arg3035= (NM_001406720.1); c.4224G>A, p.Arg1408= (NM_001406721.1); c.2739G>A, p.Arg913= (NM_001406722.1); c.9156G>A, p.Arg3052= (NM_001432077.1).
Identifiers: ClinVar variation 3482023 (VCV003482023.2).
Genomic context (GRCh38, chr13:32,380,045, plus strand): 5'-ATTTTTGTTTTGTTTTCTGTAGGTTTCAGATGAAATTTTATTTCAGATTTACCAGCCACG[G>A]GAGCCCCTTCACTTCAGCAAATTTTTAGATCCAGACTTTCAGCCATCTTGTTCTGAGGTG-3'
Protein context (NP_000050.3, residues 3042-3062): DEILFQIYQP[Arg3052=]EPLHFSKFLD

ClinVar aggregate classification (germline): Conflicting classifications of pathogenicity. Review status: criteria provided, conflicting classifications (1 of 4 stars). 2 submissions from 2 submitters: Uncertain significance (1); Likely benign (1). Last evaluated 2024-07-14.

Conditions:
Hereditary cancer-predisposing syndrome. Also called: Tumor predisposition; Neoplastic Syndromes, Hereditary; Hereditary Cancer Syndrome; Hereditary neoplastic syndrome. Identifiers: Orphanet 140162, MedGen C0027672, MeSH D009386, MONDO:0015356.

gnomAD v4.1: 1 of 1,614,030 alleles (0.000062%); highest among the groups gnomAD compares: Admixed American, 0.0017%; no homozygotes.

Submissions (2):

Ambry Genetics
Classification: Likely benign for Hereditary cancer-predisposing syndrome. Last evaluated: 2024-07-14. Review status: criteria provided, single submitter. Criteria: Ambry Variant Classification Scheme 2023. Collection method: clinical testing. Allele origin: germline.

Hereditary Cancer Laboratory, Hospital Universitario 12 de Octubre
Classification: Uncertain significance for Hereditary cancer-predisposing syndrome. Last evaluated: 2024-02-26. Review status: criteria provided, single submitter. Criteria: ACMG Guidelines, 2015. Collection method: clinical testing. Allele origin: germline.
Comment: PM2+BP4